The following is an entry in ClinVar:

ClinVar aggregate classification (germline): Uncertain significance. Review status: criteria provided, multiple submitters, no conflicts (2 of 4 stars). 4 submissions from 4 submitters: Uncertain significance (3). 1 of the submissions does not count toward it. Last evaluated 2024-11-19.

Conditions:
Glycogen storage disease, type V (GSD5). Also called: PYGM DEFICIENCY; McArdle type glycogen storage disease; MCARDLE DISEASE; MUSCLE GLYCOGEN PHOSPHORYLASE DEFICIENCY; MYOPHOSPHORYLASE DEFICIENCY. Identifiers: Orphanet 368, MedGen C0017924, MONDO:0009293, OMIM 232600.

Allele frequency attached by ClinVar (database versions not stated): ExAC 0.00002; gnomAD exomes 0.00002 and 0.00009; TOPMed 0.00003; gnomAD 0.00006.
gnomAD v4.1: 134 of 1,613,782 alleles (0.0083%); highest among the groups gnomAD compares: Non-Finnish European, 0.011%; no homozygotes.

Submissions (4):

Revvity Omics, Revvity
Classification: Uncertain significance for Glycogen storage disease, type V. Last evaluated: 2024-11-19. Review status: criteria provided, single submitter. Criteria: ACMG Guidelines, 2015. Collection method: clinical testing. Allele origin: germline.

MGZ Medical Genetics Center
Classification: Uncertain significance for Glycogen storage disease, type V. Last evaluated: 2022-08-03. Review status: criteria provided, single submitter. Criteria: ACMG Guidelines, 2015. Collection method: clinical testing. Allele origin: germline. Affected: yes. Observed: 1 variant allele.
Comment: ACMG criteria applied: PM2_SUP, PP3

Labcorp Genetics (formerly Invitae), Labcorp
Classification: Uncertain significance for Glycogen storage disease, type V. Last evaluated: 2022-05-28. Review status: criteria provided, single submitter. Criteria: Invitae Variant Classification Sherloc (09022015). Collection method: clinical testing. Allele origin: germline.
Comment: This sequence change replaces asparagine, which is neutral and polar, with histidine, which is basic and polar, at codon 168 of the PYGM protein (p.Asn168His). This variant is present in population databases (rs760531401, gnomAD 0.004%). This variant has not been reported in the literature in individuals affected with PYGM-related conditions. ClinVar contains an entry for this variant (Variation ID: 858748). Algorithms developed to predict the effect of missense changes on protein structure and function are either unavailable or do not agree on the potential impact of this missense change (SIFT: "Not Available"; PolyPhen-2: "Probably Damaging"; Align-GVGD: "Not Available"). In summary, the available evidence is currently insufficient to determine the role of this variant in disease. Therefore, it has been classified as a Variant of Uncertain Significance.

Natera, Inc.
Classification: Uncertain significance for Glycogen storage disease V. Last evaluated: 2020-09-16. Review status: no assertion criteria provided. Collection method: clinical testing. Allele origin: germline. Not counted in ClinVar's aggregate classification.

NM_005609.4(PYGM):c.502A>C (p.Asn168His)

Gene: PYGM (glycogen phosphorylase, muscle associated; minus strand). Cytogenetic location: 11q13.1.
Variant type: single nucleotide variant.
Coding change: c.502A>C on transcript NM_005609.4 (MANE Select); coding-DNA position 502, A replaced by C.
Protein change: p.Asn168His; replaces asparagine 168 with histidine.
Molecular consequence: missense variant. On other transcripts: intron variant (1).
Genome position (GRCh38, 1-based): chr11:64,758,272, T>G on the plus strand (A>C on the coding strand, the complement: PYGM is on the minus strand). VCF-style: chr11-64758272-T-G. GRCh37 (hg19) VCF-style: chr11-64525744-T-G.
Other names: c.244-6A>C (NM_001164716.1); short protein forms N168H.
Identifiers: ClinVar variation 858748 (VCV000858748.7), dbSNP rs760531401, ClinGen allele CA6080237.